The following is an entry in ClinVar:

ClinVar aggregate classification (germline): Uncertain significance. Review status: criteria provided, multiple submitters, no conflicts (2 of 4 stars). 4 submissions from 4 submitters: Uncertain significance (4). Last evaluated 2026-05-22.

Conditions:
GARS1-related disorder. Also called: GARS1-related condition.
Charcot-Marie-Tooth disease type 2. Also called: Charcot-Marie-Tooth type 2. Identifiers: Orphanet 64746, MedGen C0270914, MONDO:0018993.

Allele frequency attached by ClinVar (database versions not stated): gnomAD 0.00001; ExAC 0.00003; TOPMed 0.00006; 1000 Genomes Project 30x 0.00016.

Submissions (4):

PreventionGenetics, part of Exact Sciences
Classification: Uncertain significance for GARS1-related condition. Last evaluated: 2026-05-22. Review status: criteria provided, single submitter. Criteria: ACMG Guidelines, 2015. Collection method: clinical testing. Allele origin: germline.
Comment: The GARS1 c.80G>A variant is predicted to result in the amino acid substitution p.Arg27Gln. To our knowledge, this variant has not been reported in the literature. This variant is reported in 0.017% of alleles in individuals of African descent in gnomAD. At this time, the clinical significance of this variant is uncertain due to the absence of conclusive functional and genetic evidence.

Mayo Clinic Laboratories, Mayo Clinic
Classification: Uncertain significance. Last evaluated: 2025-10-20. Review status: criteria provided, single submitter. Criteria: ACMG Guidelines, 2015. Collection method: clinical testing. Allele origin: germline. Observed: 1 variant allele.
Comment: BP4_moderate

Ambry Genetics
Classification: Uncertain significance. Last evaluated: 2025-04-25. Review status: criteria provided, single submitter. Criteria: Ambry Variant Classification Scheme 2023. Collection method: clinical testing. Allele origin: germline.

Labcorp Genetics (formerly Invitae), Labcorp
Classification: Uncertain significance for Charcot-Marie-Tooth disease type 2. Last evaluated: 2023-08-16. Review status: criteria provided, single submitter. Criteria: Invitae Variant Classification Sherloc (09022015). Collection method: clinical testing. Allele origin: germline.
Comment: This sequence change replaces arginine, which is basic and polar, with glutamine, which is neutral and polar, at codon 27 of the GARS protein (p.Arg27Gln). The frequency data for this variant in the population databases is considered unreliable, as metrics indicate poor data quality at this position in the gnomAD database. In summary, the available evidence is currently insufficient to determine the role of this variant in disease. Therefore, it has been classified as a Variant of Uncertain Significance. Advanced modeling of protein sequence and biophysical properties (such as structural, functional, and spatial information, amino acid conservation, physicochemical variation, residue mobility, and thermodynamic stability) performed at Invitae indicates that this missense variant is not expected to disrupt GARS protein function. This variant has not been reported in the literature in individuals affected with GARS-related conditions.

NM_002047.4(GARS1):c.80G>A (p.Arg27Gln)

Gene: GARS1 (glycyl-tRNA synthetase 1; plus strand). Cytogenetic location: 7p14.3.
Variant type: single nucleotide variant.
Coding change: c.80G>A on transcript NM_002047.4 (MANE Select); coding-DNA position 80, G replaced by A.
Protein change: p.Arg27Gln; replaces arginine 27 with glutamine.
Molecular consequence: missense variant. On other transcripts: 5 prime UTR variant (1).
Genome position (GRCh38, 1-based): chr7:30,595,001, G>A. VCF-style: chr7-30595001-G-A. GRCh37 (hg19) VCF-style: chr7-30634617-G-A.
Other names: p.Arg27Gln; c.80G>A (NM_002047.3); c.-83G>A (NM_001316772.1); short protein forms R27Q.
Identifiers: ClinVar variation 2915038 (VCV002915038.6), dbSNP rs748449256, ClinGen allele CA4205585.